The following is an entry in ClinVar:

ClinVar aggregate classification (germline): Pathogenic (1 of 4 stars; one submission).

Submission:

Labcorp Genetics (formerly Invitae), Labcorp
Classification: Pathogenic. Last evaluated: 2023-03-12. Review status: criteria provided, single submitter. Criteria: Invitae Variant Classification Sherloc (09022015). Collection method: clinical testing. Allele origin: germline.
Comment: This sequence change creates a premature translational stop signal (p.Glu1893Glyfs*83) in the CCDC88C gene. While this is not anticipated to result in nonsense mediated decay, it is expected to disrupt the last 136 amino acid(s) of the CCDC88C protein. This variant is not present in population databases (gnomAD no frequency). This variant has not been reported in the literature in individuals affected with CCDC88C-related conditions. This variant disrupts a region of the CCDC88C protein in which other variant(s) (p.Glu1949Glyfs*26) have been determined to be pathogenic (PMID: 23042809). This suggests that this is a clinically significant region of the protein, and that variants that disrupt it are likely to be disease-causing. For these reasons, this variant has been classified as Pathogenic.

Literature cited by the submitters: PubMed 23042809.

NM_001080414.4(CCDC88C):c.5675dup (p.Glu1893fs)

Gene: CCDC88C (coiled-coil and HOOK domain protein 88C; minus strand). Cytogenetic location: 14q32.11.
Variant type: Duplication.
Coding change: c.5675dup on transcript NM_001080414.4 (MANE Select); coding-DNA position 5675, one base duplicated (A; older notation c.5675dupA).
Protein change: p.Glu1893fs; shifts the reading frame from glutamic acid 1893.
Molecular consequence: frameshift variant.
Genome position (GRCh38, 1-based): chr14:91,273,037, T duplicated on the plus strand (A on the coding strand, the reverse complement: CCDC88C is on the minus strand); the first of 3 consecutive T bases (chr14:91,273,037-91,273,039); duplicating any one gives the same sequence. VCF-style (leftmost placement, unchanged base first): chr14-91273036-C-CT. GRCh37 (hg19) VCF-style: chr14-91739380-C-CT.
Other names: short protein forms E1893fs.
Identifiers: ClinVar variation 2845280 (VCV002845280.3), dbSNP rs2544238668, ClinGen allele CA2739278570.
Genomic context (GRCh38, chr14:91,273,036, plus strand): 5'-ACCTGCAGTGGCAATGGCGGGGGCTGTGGCAGACTGATGCAGGGGGGCCAGCCTCTCCTC[C>CT]TTTGGGGGAGCCAGGGAGAAGCGCCTCGTGTCCAGCGGCCGGCTGCGGGGACCTGGGCCC-3'